The following is an entry in ClinVar:

NM_014244.5(ADAMTS2):c.34_38delinsATGTGTATAAGAGACAGT (p.Leu12fs)

Gene: ADAMTS2 (ADAM metallopeptidase with thrombospondin type 1 motif 2; minus strand). Cytogenetic location: 5q35.3.
Variant type: Indel.
Coding change: c.34_38delinsATGTGTATAAGAGACAGT on transcript NM_014244.5 (MANE Select); coding-DNA positions 34 to 38, CTCTG replaced by ATGTGTATAAGAGACAGT.
Protein change: p.Leu12fs; shifts the reading frame from leucine 12.
Molecular consequence: frameshift variant.
Genome position (GRCh38, 1-based): chr5:179,345,291-179,345,295, CAGAG replaced by ACTGTCTCTTATACACAT on the plus strand (CTCTG replaced by ATGTGTATAAGAGACAGT on the coding strand, the reverse complement: ADAMTS2 is on the minus strand). VCF-style: chr5-179345291-CAGAG-ACTGTCTCTTATACACAT. GRCh37 (hg19) VCF-style: chr5-178772292-CAGAG-ACTGTCTCTTATACACAT.
Other names: c.34_38delinsATGTGTATAAGAGACAGT, p.Leu12fs (NM_021599.4); short protein forms L12fs.
Identifiers: ClinVar variation 5016342 (VCV005016342.1).
Genomic context (GRCh38, chr5:179,345,291, plus strand): 5'-GGCGGCGGCGGCGGCAGGAGCGGCGGCGGCAGCAGCAGCAGCAGCAGCAGCAGCGCGGGG[CAGAG>ACTGTCTCTTATACACAT]CAGGCGGCGAGCGGCTCCCGCCGGCGGATCCATGGCAGCCGGACTGCAGCCGGGGCCCCG-3'

ClinVar aggregate classification (germline): Pathogenic (1 of 4 stars; one submission).

Conditions:
Ehlers-Danlos syndrome, dermatosparaxis type. Also called: EDS VIIC; Dermatosparaxis; Ehlers-Danlos syndrome, type VII, autosomal recessive. Identifiers: Orphanet 1901, MedGen C2700425, MONDO:0009161, OMIM 225410.

Submission:

Myriad Genetics, Inc.
Classification: Pathogenic for Ehlers-Danlos syndrome, dermatosparaxis type. Last evaluated: 2024-05-14. Review status: criteria provided, single submitter. Criteria: Myriad Autosomal Dominant, Autosomal Recessive and X-Linked Classification Criteria (2023). Collection method: clinical testing. Allele origin: unknown.
Comment: NM_014244.4(ADAMTS2):c.34_38del5ins18(L12Mfs*58) is expected to be pathogenic in the context of Ehlers-Danlos syndrome, ADAMTS2-related. This variant is predicted to lead to an abnormal or absent protein product due to the creation of a premature termination codon in ADAMTS2, a gene where loss-of-function variants are known to be pathogenic. Please note: this variant was assessed in the context of healthy population screening.